The following is an entry in ClinVar:

NM_005502.4(ABCA1):c.4438G>A (p.Gly1480Arg)

Gene: ABCA1 (ATP binding cassette subfamily A member 1; minus strand). Cytogenetic location: 9q31.1.
Variant type: single nucleotide variant.
Coding change: c.4438G>A on transcript NM_005502.4 (MANE Select); coding-DNA position 4438, G replaced by A.
Protein change: p.Gly1480Arg; replaces glycine 1480 with arginine.
Molecular consequence: missense variant.
Genome position (GRCh38, 1-based): chr9:104,806,267, C>T on the plus strand (G>A on the coding strand, the complement: ABCA1 is on the minus strand). VCF-style: chr9-104806267-C-T. GRCh37 (hg19) VCF-style: chr9-107568548-C-T.
Other names: short protein forms G1480R.
Identifiers: ClinVar variation 1740601 (VCV001740601.3), dbSNP rs2538093980, ClinGen allele CA374315498.
Genomic context (GRCh38, chr9:104,806,267, plus strand): 5'-CCTTCTGCCCAATCACCCCCTGAAAGTGACTCACTTGTGGAGGAGGCAGCCCCCCTGCCC[C>T]TGGGGGACACACAGGCAGCATCTTCTTGATTTTGTCGCTGCTACACTGGCATGCAGGTGA-3'
Protein context (NP_005493.2, residues 1470-1490): IKKMLPVCPP[Gly1480Arg]AGGLPPPQRK

ClinVar aggregate classification (germline): Uncertain significance (1 of 4 stars; one submission).

Conditions:
Cardiovascular phenotype. Identifiers: MedGen CN230736.

Submission:

Ambry Genetics
Classification: Uncertain significance for Cardiovascular phenotype. Last evaluated: 2025-05-26. Review status: criteria provided, single submitter. Criteria: Ambry Variant Classification Scheme 2023. Collection method: clinical testing. Allele origin: germline.
Comment: The p.G1480R variant (also known as c.4438G>A), located in coding exon 30 of the ABCA1 gene, results from a G to A substitution at nucleotide position 4438. The glycine at codon 1480 is replaced by arginine, an amino acid with dissimilar properties. This amino acid position is conserved. In addition, this alteration is predicted to be deleterious by in silico analysis. Since supporting evidence is limited at this time, the clinical significance of this alteration remains unclear.